The following is an entry in ClinVar:

ClinVar aggregate classification (germline): Uncertain significance (1 of 4 stars; one submission).

Submission:

Dasa
Classification: Uncertain significance. Last evaluated: 2025-11-10. Review status: criteria provided, single submitter. Criteria: DASA Assertion Criteria. Collection method: clinical testing. Allele origin: germline.
Comment: NM_003611.3(OFD1):c.2434G>T (p.Asp812Tyr) is a missense variant that results in the substitution of aspartic acid with tyrosine. This variant is absent from population databases. The currently available literature and clinical evidence are not sufficient to establish a definitive association between this variant and the reported condition. Therefore, this variant is classified as a variant of uncertain significance.

NM_003611.3(OFD1):c.2434G>T (p.Asp812Tyr)

Gene: OFD1 (OFD1 centriole and centriolar satellite protein; plus strand). Cytogenetic location: Xp22.2.
Variant type: single nucleotide variant.
Coding change: c.2434G>T on transcript NM_003611.3 (MANE Select); coding-DNA position 2434, G replaced by T.
Protein change: p.Asp812Tyr; replaces aspartic acid 812 with tyrosine.
Molecular consequence: missense variant.
Genome position (GRCh38, 1-based): chrX:13,762,390, G>T. VCF-style: chrX-13762390-G-T. GRCh37 (hg19) VCF-style: chrX-13780509-G-T.
Other names: c.2314G>T, p.Asp772Tyr (NM_001330209.2, NM_001440948.1); c.2014G>T, p.Asp672Tyr (NM_001330210.2); c.2434G>T, p.Asp812Tyr (NM_001440947.1); short protein forms D672Y, D772Y, D812Y.
Identifiers: ClinVar variation 4882389 (VCV004882389.2).